The following is an entry in ClinVar:

NM_000179.3(MSH6):c.3114_3115dup (p.Asn1039fs)

Gene: MSH6 (mutS homolog 6; plus strand). Cytogenetic location: 2p16.3.
Variant type: Microsatellite.
Coding change: c.3114_3115dup on transcript NM_000179.3 (MANE Select); coding-DNA positions 3114 to 3115, 2 bases duplicated (TA; older notation c.3114_3115dupTA).
Protein change: p.Asn1039fs; shifts the reading frame from asparagine 1039.
Molecular consequence: frameshift variant.
Genome position (GRCh38, 1-based): chr2:47,801,097-47,801,098, TA duplicated; duplicating any 2 consecutive bases within chr2:47,801,095-47,801,098 gives the same sequence; the c. name uses the placement nearest the transcript's 3' end. VCF-style (leftmost placement, unchanged base first): chr2-47801094-C-CTA. GRCh37 (hg19) VCF-style: chr2-48028233-C-CTA.
Other names: c.3112_3113TA[3], p.Asn1039Ilefs (NM_000179.2, NM_001406796.1, NM_001406798.1 and 3 more transcripts); c.2724_2725dup, p.Asn909fs (NM_001281492.2); c.2208_2209dup, p.Asn737fs (NM_001281493.2, NM_001281494.2); c.3208_3209TA[3], p.Asn1071Ilefs (NM_001406795.1, NM_001406802.1); c.2815_2816TA[3], p.Asn940Ilefs (NM_001406797.1, NM_001406801.1, NM_001406805.1 and 10 more transcripts); c.2587_2588TA[3], p.Asn864Ilefs (NM_001406799.1, NM_001406806.1, NM_001406807.1); c.3034_3035TA[3], p.Asn1013Ilefs (NM_001406804.1); c.2206_2207TA[3], p.Asn737Ilefs (NM_001406811.1, NM_001406812.1, NM_001406814.1 and 4 more transcripts); and 4 more; short protein forms N737fs, N1039fs, N909fs.
Identifiers: ClinVar variation 1727781 (VCV001727781.3), dbSNP rs2530714528, ClinGen allele CA2580611369.

ClinVar aggregate classification (germline): Pathogenic. Review status: criteria provided, multiple submitters, no conflicts (2 of 4 stars). 2 submissions from 2 submitters: Pathogenic (2). Last evaluated 2020-11-20.

Conditions:
Mismatch repair cancer syndrome 3. Identifiers: MedGen C5436807, MONDO:0030841, OMIM 619097.
Endometrial carcinoma. Also called: Endometrial carcinoma, somatic. Identifiers: MedGen C0476089, MONDO:0002447, OMIM 608089, HP:0012114.
Lynch syndrome 5 (LYNCH5). Also called: Colorectal cancer, hereditary nonpolyposis, type 5; Hereditary non-polyposis colorectal cancer, type 5. Identifiers: Orphanet 144, MedGen C1833477, MONDO:0013710, OMIM 614350. Disease mechanism: loss of function.
Hereditary cancer-predisposing syndrome. Also called: Tumor predisposition; Neoplastic Syndromes, Hereditary; Hereditary Cancer Syndrome; Hereditary neoplastic syndrome. Identifiers: Orphanet 140162, MedGen C0027672, MeSH D009386, MONDO:0015356.

Submissions (2):

Department of Pathology and Laboratory Medicine, Sinai Health System
Classification: Pathogenic for Endometrial carcinoma; Lynch syndrome 5; Mismatch repair cancer syndrome 3. Last evaluated: 2020-11-20. Review status: criteria provided, single submitter. Criteria: ACMG Guidelines, 2015. Collection method: clinical testing. Allele origin: germline. Affected: no.

Ambry Genetics
Classification: Pathogenic for Hereditary cancer-predisposing syndrome. Last evaluated: 2020-02-05. Review status: criteria provided, single submitter. Criteria: Ambry Variant Classification Scheme 2023. Collection method: clinical testing. Allele origin: germline.
Comment: The c.3114_3115dupTA pathogenic mutation, located in coding exon 4 of the MSH6 gene, results from a duplication of TA at nucleotide position 3114, causing a translational frameshift with a predicted alternate stop codon (p.N1039Ifs*14). This alteration is expected to result in loss of function by premature protein truncation or nonsense-mediated mRNA decay. As such, this alteration is interpreted as a disease-causing mutation.